The following is an entry in ClinVar:

NM_000059.4(BRCA2):c.1202C>T (p.Ser401Leu)

Gene: BRCA2 (BRCA2 DNA repair associated; plus strand). Cytogenetic location: 13q13.1.
Variant type: single nucleotide variant.
Coding change: c.1202C>T on transcript NM_000059.4 (MANE Select); coding-DNA position 1202, C replaced by T.
Protein change: p.Ser401Leu; replaces serine 401 with leucine.
Molecular consequence: missense variant. On other transcripts: non-coding transcript variant (1), intron variant (1).
Genome position (GRCh38, 1-based): chr13:32,332,680, C>T. VCF-style: chr13-32332680-C-T. GRCh37 (hg19) VCF-style: chr13-32906817-C-T.
Other names: c.1202C>T, p.Ser401Leu (NM_001406719.1, NM_001406720.1, NM_001406721.1 and 1 more transcripts); c.424+1650C>T (NM_001406722.1); short protein forms S401L.
Identifiers: ClinVar variation 4802275 (VCV004802275.1).

ClinVar aggregate classification (germline): Uncertain significance (1 of 4 stars; one submission).

Conditions:
Hereditary breast ovarian cancer syndrome. Also called: Hereditary breast and ovarian cancer syndrome (HBOC); Hereditary breast and ovarian cancer; Breast and ovarian cancer; Hereditary breast and/or ovarian cancer syndrome; BRCA1- and BRCA2-Associated Hereditary Breast and Ovarian Cancer; Hereditary breast and ovarian cancer syndrome. Identifiers: Orphanet 145, MedGen C0677776, MeSH D061325, MONDO:0003582. Disease mechanism: loss of function.

Submission:

Labcorp Genetics (formerly Invitae), Labcorp
Classification: Uncertain significance for Hereditary breast ovarian cancer syndrome. Last evaluated: 2025-02-26. Review status: criteria provided, single submitter. Criteria: Invitae Variant Classification Sherloc (09022015). Collection method: clinical testing. Allele origin: germline.
Comment: This sequence change replaces serine, which is neutral and polar, with leucine, which is neutral and non-polar, at codon 401 of the BRCA2 protein (p.Ser401Leu). This variant is not present in population databases (gnomAD no frequency). This variant has not been reported in the literature in individuals affected with BRCA2-related conditions. Invitae Evidence Modeling of protein sequence and biophysical properties (such as structural, functional, and spatial information, amino acid conservation, physicochemical variation, residue mobility, and thermodynamic stability) indicates that this missense variant is not expected to disrupt BRCA2 protein function with a negative predictive value of 95%. In summary, the available evidence is currently insufficient to determine the role of this variant in disease. Therefore, it has been classified as a Variant of Uncertain Significance.